The following is an entry in ClinVar:

NM_032578.4(MYPN):c.611A>G (p.Glu204Gly)

Gene: MYPN (myopalladin; plus strand). Cytogenetic location: 10q21.3.
Variant type: single nucleotide variant.
Coding change: c.611A>G on transcript NM_032578.4 (MANE Select); coding-DNA position 611, A replaced by G.
Protein change: p.Glu204Gly; replaces glutamic acid 204 with glycine.
Molecular consequence: missense variant. On other transcripts: 5 prime UTR variant (1), non-coding transcript variant (1).
Genome position (GRCh38, 1-based): chr10:68,122,049, A>G. VCF-style: chr10-68122049-A-G. GRCh37 (hg19) VCF-style: chr10-69881806-A-G.
Other names: p.E204G:GAA>GGA; c.611A>G (NM_032578.2); c.611A>G, p.Glu204Gly (NM_001256267.2); c.-512A>G (NM_001256268.2); short protein forms E204G.
Identifiers: ClinVar variation 201894 (VCV000201894.15), dbSNP rs373095593, ClinGen allele CA335331.

ClinVar aggregate classification (germline): Conflicting classifications of pathogenicity. Review status: criteria provided, conflicting classifications (1 of 4 stars). 5 submissions from 5 submitters: Uncertain significance (4); Likely benign (1). Last evaluated 2025-04-14.

Conditions:
Cardiovascular phenotype. Identifiers: MedGen CN230736.
Dilated cardiomyopathy 1KK (CMD1KK). Identifiers: Orphanet 154, Orphanet 75249, MedGen C3714995, MONDO:0014100, OMIM 615248.

Allele frequency attached by ClinVar (database versions not stated): gnomAD 0.00001; gnomAD exomes 0.00001; TOPMed 0.00002; ESP Exome Variant Server 0.00008.
gnomAD v4.1: 13 of 1,614,122 alleles (0.00081%); highest among the groups gnomAD compares: Middle Eastern, 0.016%; no homozygotes.

Submissions (5):

Ambry Genetics
Classification: Uncertain significance for Cardiovascular phenotype. Last evaluated: 2025-04-14. Review status: criteria provided, single submitter. Criteria: Ambry Variant Classification Scheme 2023. Collection method: clinical testing. Allele origin: germline.
Comment: The p.E204G variant (also known as c.611A>G), located in coding exon 1 of the MYPN gene, results from an A to G substitution at nucleotide position 611. The glutamic acid at codon 204 is replaced by glycine, an amino acid with similar properties. This amino acid position is conserved. In addition, the in silico prediction for this alteration is inconclusive. Since supporting evidence is limited at this time, the clinical significance of this alteration remains unclear.

Revvity Omics, Revvity
Classification: Uncertain significance. Last evaluated: 2025-02-10. Review status: criteria provided, single submitter. Criteria: ACMG Guidelines, 2015. Collection method: clinical testing. Allele origin: germline.

Blueprint Genetics
Classification: Likely benign. Last evaluated: 2024-08-20. Review status: criteria provided, single submitter. Criteria: ACMG Guidelines, 2015. Collection method: clinical testing. Allele origin: germline.

Labcorp Genetics (formerly Invitae), Labcorp
Classification: Uncertain significance for Dilated cardiomyopathy 1KK. Last evaluated: 2021-08-28. Review status: criteria provided, single submitter. Criteria: Invitae Variant Classification Sherloc (09022015). Collection method: clinical testing. Allele origin: germline.
Comment: This sequence change replaces glutamic acid with glycine at codon 204 of the MYPN protein (p.Glu204Gly). The glutamic acid residue is highly conserved and there is a moderate physicochemical difference between glutamic acid and glycine. This variant is not present in population databases (ExAC no frequency). This variant has not been reported in the literature in individuals affected with MYPN-related conditions. ClinVar contains an entry for this variant (Variation ID: 201894). Algorithms developed to predict the effect of missense changes on protein structure and function are either unavailable or do not agree on the potential impact of this missense change (SIFT: "Deleterious"; PolyPhen-2: "Benign"; Align-GVGD: "Class C0"). In summary, the available evidence is currently insufficient to determine the role of this variant in disease. Therefore, it has been classified as a Variant of Uncertain Significance.

GeneDx
Classification: Uncertain significance. Last evaluated: 2019-07-18. Review status: criteria provided, single submitter. Criteria: GeneDx Variant Classification Process June 2021. Collection method: clinical testing. Allele origin: germline. Affected: yes.
Comment: Has not been previously published as pathogenic or benign to our knowledge; Not observed in large population cohorts (Lek et al., 2016); In silico analysis, which includes protein predictors and evolutionary conservation, supports that this variant does not alter protein structure/function